The following is an entry in ClinVar:

NM_003764.4(STX11):c.602G>A (p.Arg201Gln)

Gene: STX11 (syntaxin 11; plus strand). Cytogenetic location: 6q24.2.
Variant type: single nucleotide variant.
Coding change: c.602G>A on transcript NM_003764.4 (MANE Select); coding-DNA position 602, G replaced by A.
Protein change: p.Arg201Gln; replaces arginine 201 with glutamine.
Molecular consequence: missense variant.
Genome position (GRCh38, 1-based): chr6:144,187,229, G>A. VCF-style: chr6-144187229-G-A. GRCh37 (hg19) VCF-style: chr6-144508366-G-A.
Other names: short protein forms R201Q.
Identifiers: ClinVar variation 2009447 (VCV002009447.4), dbSNP rs1159549216, ClinGen allele CA365949603.
Genomic context (GRCh38, chr6:144,187,229, plus strand): 5'-TCGAGCAGGGTAAGTGGGACGTGTTTTCCGAGAACTTGCTGGCCGACGTGAAGGGCGCGC[G>A]GGCCGCCCTCAACGAGATCGAGAGCCGCCACCGCGAACTGCTGCGCCTGGAGAGCCGCAT-3'
Protein context (NP_003755.2, residues 191-211): ENLLADVKGA[Arg201Gln]AALNEIESRH

ClinVar aggregate classification (germline): Uncertain significance (1 of 4 stars; one submission).

Conditions:
Familial hemophagocytic lymphohistiocytosis 4 (FHL4). Also called: STX11-Related Familial Hemophagocytic Lymphohistiocytosis (STX11-fHLH). Identifiers: Orphanet 540, MedGen C1863728, MONDO:0011336, OMIM 603552.

Allele frequency attached by ClinVar (database versions not stated): gnomAD 0.00001.

Submission:

Labcorp Genetics (formerly Invitae), Labcorp
Classification: Uncertain significance for Familial hemophagocytic lymphohistiocytosis 4. Last evaluated: 2025-08-21. Review status: criteria provided, single submitter. Criteria: Invitae Variant Classification Sherloc (09022015). Collection method: clinical testing. Allele origin: germline.
Comment: This sequence change replaces arginine, which is basic and polar, with glutamine, which is neutral and polar, at codon 201 of the STX11 protein (p.Arg201Gln). This variant is not present in population databases (gnomAD no frequency). This variant has not been reported in the literature in individuals affected with STX11-related conditions. ClinVar contains an entry for this variant (Variation ID: 2009447). Invitae Evidence Modeling of protein sequence and biophysical properties (such as structural, functional, and spatial information, amino acid conservation, physicochemical variation, residue mobility, and thermodynamic stability) indicates that this missense variant is not expected to disrupt STX11 protein function with a negative predictive value of 80%. In summary, the available evidence is currently insufficient to determine the role of this variant in disease. Therefore, it has been classified as a Variant of Uncertain Significance.